The following is an entry in ClinVar:

NM_006953.4(UPK3A):c.148G>C (p.Asp50His)

Gene: UPK3A (uroplakin 3A; plus strand). Cytogenetic location: 22q13.31.
Variant type: single nucleotide variant.
Coding change: c.148G>C on transcript NM_006953.4 (MANE Select); coding-DNA position 148, G replaced by C.
Protein change: p.Asp50His; replaces aspartic acid 50 with histidine.
Molecular consequence: missense variant.
Genome position (GRCh38, 1-based): chr22:45,286,036, G>C. VCF-style: chr22-45286036-G-C. GRCh37 (hg19) VCF-style: chr22-45681917-G-C.
Other names: c.148G>C, p.Asp50His (NM_001167574.2); short protein forms D50H.
Identifiers: ClinVar variation 2636161 (VCV002636161.1), dbSNP rs1253660910, ClinGen allele CA411877498.

ClinVar aggregate classification (germline): Uncertain significance (1 of 4 stars; one submission).

Conditions:
UPK3A-related disorder. Also called: UPK3A-related condition.

Allele frequency attached by ClinVar (database versions not stated): gnomAD exomes 0.00001.
gnomAD v4.1: 4 of 1,614,180 alleles (0.00025%); highest among the groups gnomAD compares: Non-Finnish European, 0.00034%; no homozygotes.

Submission:

PreventionGenetics, part of Exact Sciences
Classification: Uncertain significance for UPK3A-related condition. Last evaluated: 2022-11-16. Review status: criteria provided, single submitter. Criteria: ACMG Guidelines, 2015. Collection method: clinical testing. Allele origin: germline.
Comment: The UPK3A c.148G>C variant is predicted to result in the amino acid substitution p.Asp50His. To our knowledge, this variant has not been reported in the literature. This variant is reported in 0.0018% of alleles in individuals of European (Non-Finnish) descent in gnomAD. At this time, the clinical significance of this variant is uncertain due to the absence of conclusive functional and genetic evidence.